The following is an entry in ClinVar:

NM_000135.4(FANCA):c.4150_4156dup (p.Leu1386fs)

Genes: FANCA (FA complementation group A; minus strand), ZNF276 (zinc finger protein 276; plus strand). Cytogenetic location: 16q24.3.
Variant type: Duplication.
Coding change: c.4150_4156dup on transcript NM_000135.4 (MANE Select); coding-DNA positions 4150 to 4156, 7 bases duplicated (CTGGAGC; older notation c.4150_4156dupCTGGAGC).
Protein change: p.Leu1386fs; shifts the reading frame from leucine 1386.
Molecular consequence: frameshift variant. On other transcripts: 3 prime UTR variant (2), non-coding transcript variant (4).
Genome position (GRCh38, 1-based): chr16:89,739,144-89,739,150, GCTCCAG duplicated on the plus strand (CTGGAGC on the coding strand, the reverse complement: FANCA is on the minus strand); duplicating any 7 consecutive bases within chr16:89,739,144-89,739,155 gives the same sequence; the c. name uses the placement nearest the transcript's 3' end. VCF-style (leftmost placement, unchanged base first): chr16-89739143-A-AGCTCCAG. GRCh37 (hg19) VCF-style: chr16-89805551-A-AGCTCCAG.
Other names: c.4150_4156dup, p.Leu1386fs (NM_001286167.3); c.*903_*909dup (NM_001113525.2, NM_152287.4); short protein forms L1386fs.
Identifiers: ClinVar variation 4732069 (VCV004732069.1).

ClinVar aggregate classification (germline): Pathogenic (1 of 4 stars; one submission).

Conditions:
Fanconi anemia (FA). Also called: Fanconi's anemia. Identifiers: Orphanet 84, MedGen C0015625, MeSH D005199, MONDO:0019391.

Submission:

Labcorp Genetics (formerly Invitae), Labcorp
Classification: Pathogenic for Fanconi anemia. Last evaluated: 2025-11-27. Review status: criteria provided, single submitter. Criteria: Invitae Variant Classification Sherloc (09022015). Collection method: clinical testing. Allele origin: germline.
Comment: This sequence change creates a premature translational stop signal (p.Leu1386Profs*41) in the FANCA gene. While this is not anticipated to result in nonsense mediated decay, it is expected to disrupt the last 70 amino acid(s) of the FANCA protein. This variant is not present in population databases (gnomAD no frequency). This variant has not been reported in the literature in individuals affected with FANCA-related conditions. This variant disrupts a region of the FANCA protein in which other variant(s) (p.Asp1429Asn) have been determined to be pathogenic (PMID: 37865086; internal data). This suggests that this is a clinically significant region of the protein, and that variants that disrupt it are likely to be disease-causing. For these reasons, this variant has been classified as Pathogenic.

Literature cited by the submitters: PubMed 37865086.